The following is an entry in ClinVar:

ClinVar aggregate classification (germline): Pathogenic. Review status: criteria provided, single submitter (1 of 4 stars). 2 submissions from 2 submitters: Pathogenic (1). 1 of the submissions does not count toward it. Last evaluated 2023-12-11.

Conditions:
Usher syndrome. Also called: Usher Syndromes; Usher's syndrome. Identifiers: Orphanet 886, MedGen CN469326, MeSH D052245, MONDO:0019501. Disease mechanism: loss of function.
Autosomal recessive nonsyndromic hearing loss 2. Also called: NEUROSENSORY NONSYNDROMIC RECESSIVE DEAFNESS 2; DEAFNESS, AUTOSOMAL RECESSIVE 2. Identifiers: Orphanet 90636, MedGen C1838701, MONDO:0010807, OMIM 600060.

gnomAD v4.1: 12 of 1,612,404 alleles (0.00074%); highest among the groups gnomAD compares: Non-Finnish European, 0.001%; no homozygotes.

Submissions (2):

Women's Health and Genetics/Laboratory Corporation of America, LabCorp
Classification: Pathogenic for Usher syndrome. Last evaluated: 2023-12-11. Review status: criteria provided, single submitter. Criteria: LabCorp Variant Classification Summary - May 2015. Collection method: clinical testing. Allele origin: germline.
Comment: Variant summary: MYO7A c.731G>C (p.Arg244Pro) results in a non-conservative amino acid change located in the Myosin head, motor domain (IPR001609) of the encoded protein sequence. Four of five in-silico tools predict a damaging effect of the variant on protein function. The variant allele was found at a frequency of 4e-06 in 247714 control chromosomes. c.731G>C has been reported in the literature in multiple individuals affected with Usher Syndrome (example, Liu_1997). These data indicate that the variant is very likely to be associated with disease. At least one publication reports experimental evidence evaluating an impact on protein function. The most pronounced variant effect in mouse MYO7A resulted in disabled motor function of MYO7A based on ATPase activity assay and in vitro localization assay in cultured mouse inner ear hair cells (Riazuddin_2008). The following publications have been ascertained in the context of this evaluation (PMID: 9718356, 18181211). No submitters have cited clinical-significance assessments for this variant to ClinVar after 2014. Based on the evidence outlined above, the variant was classified as pathogenic.

OMIM
Classification: Pathogenic for DEAFNESS, AUTOSOMAL RECESSIVE 2. Last evaluated: 2008-04-01. Review status: no assertion criteria provided. Collection method: literature only. Allele origin: germline. Not counted in ClinVar's aggregate classification.

Literature cited by the submitters: PubMed 18181211 (cited by Women's Health and Genetics/Laboratory Corporation of America, LabCorp and OMIM); PubMed 9718356 (cited by Women's Health and Genetics/Laboratory Corporation of America, LabCorp); PubMed 9171832 (cited by OMIM).

NM_000260.4(MYO7A):c.731G>C (p.Arg244Pro)

Gene: MYO7A (myosin VIIA; plus strand). Cytogenetic location: 11q13.5.
Variant type: single nucleotide variant.
Coding change: c.731G>C on transcript NM_000260.4 (MANE Select); coding-DNA position 731, G replaced by C.
Protein change: p.Arg244Pro; replaces arginine 244 with proline.
Molecular consequence: missense variant.
Genome position (GRCh38, 1-based): chr11:77,157,000, G>C. VCF-style: chr11-77157000-G-C. GRCh37 (hg19) VCF-style: chr11-76868046-G-C.
Other names: c.731G>C, p.Arg244Pro (NM_001127180.2); c.698G>C, p.Arg233Pro (NM_001369365.1); short protein forms R244P, R233P.
Identifiers: ClinVar variation 11853 (VCV000011853.2), dbSNP rs121965081, ClinGen allele CA121720.
Genomic context (GRCh38, chr11:77,157,000, plus strand): 5'-GGGGCGCCATCGAGGGCGCGAAGATTGAGCAGTACCTGCTGGAAAAGTCACGTGTCTGTC[G>C]CCAGGTGGGCCTGAGCCCCAGGGATGCAGGAATAGACCCAGGCCCCTGGCCTCAGGGGTC-3'
Protein context (NP_000251.3, residues 234-254): QYLLEKSRVC[Arg244Pro]QALDERNYHV